The following is an entry in ClinVar:

ClinVar aggregate classification (germline): Pathogenic (1 of 4 stars; one submission).

Conditions:
Autosomal recessive spastic paraplegia type 78. Identifiers: Orphanet 513436, MedGen C5567893, MONDO:0014975, OMIM 617225.

Submission:

3billion
Classification: Pathogenic for Autosomal recessive spastic paraplegia type 78. Last evaluated: 2022-01-03. Review status: criteria provided, single submitter. Criteria: ACMG Guidelines, 2015. Collection method: clinical testing. Allele origin: germline. Affected: yes. Observed: 1 homozygote.
Comment: Stop-gained (nonsense): predicted to result in a loss or disruption of normal protein function through nonsense-mediated decay (NMD) or protein truncation. Multiple pathogenic variants are reported downstream of the variant (PVS1_VS). It is not observed in the gnomAD v2.1.1 dataset (PM2_M). Patient’s phenotype is considered compatible with ATP13A2-related disorder (PP4_P). Therefore, this variant is classified as pathogenic according to the recommendation of ACMG/AMP guideline.

NM_022089.4(ATP13A2):c.688C>T (p.Gln230Ter)

Gene: ATP13A2 (ATPase cation transporting 13A2; minus strand). Cytogenetic location: 1p36.13.
Variant type: single nucleotide variant.
Coding change: c.688C>T on transcript NM_022089.4 (MANE Select); coding-DNA position 688, C replaced by T.
Protein change: p.Gln230Ter; replaces glutamine 230 with a stop codon.
Molecular consequence: nonsense.
Genome position (GRCh38, 1-based): chr1:17,002,051, G>A on the plus strand (C>T on the coding strand, the complement: ATP13A2 is on the minus strand). VCF-style: chr1-17002051-G-A. GRCh37 (hg19) VCF-style: chr1-17328546-G-A.
Other names: c.673C>T, p.Gln225Ter (NM_001141973.3, NM_001141974.3); short protein forms Q225*, Q230*.
Identifiers: ClinVar variation 1333442 (VCV001333442.1), dbSNP rs2101042002, ClinGen allele CA338259373.